The following is an entry in ClinVar:

ClinVar aggregate classification (germline): Uncertain significance. Review status: criteria provided, multiple submitters, no conflicts (2 of 4 stars). 2 submissions from 2 submitters: Uncertain significance (2). Last evaluated 2024-09-06.

Conditions:
Inborn genetic diseases. Identifiers: MedGen C0950123, MeSH D030342.

Allele frequency attached by ClinVar (database versions not stated): gnomAD exomes 0.00001 and 0.00002; ExAC 0.00002.
gnomAD v4.1: 12 of 1,612,220 alleles (0.00074%); highest among the groups gnomAD compares: South Asian, 0.0011%; no homozygotes.

Submissions (2):

Labcorp Genetics (formerly Invitae), Labcorp
Classification: Uncertain significance. Last evaluated: 2024-09-06. Review status: criteria provided, single submitter. Criteria: Invitae Variant Classification Sherloc (09022015). Collection method: clinical testing. Allele origin: germline.
Comment: This sequence change replaces arginine, which is basic and polar, with cysteine, which is neutral and slightly polar, at codon 319 of the SLC12A6 protein (p.Arg319Cys). This variant is present in population databases (rs755778625, gnomAD 0.004%). This variant has not been reported in the literature in individuals affected with SLC12A6-related conditions. ClinVar contains an entry for this variant (Variation ID: 1372627). Invitae Evidence Modeling of protein sequence and biophysical properties (such as structural, functional, and spatial information, amino acid conservation, physicochemical variation, residue mobility, and thermodynamic stability) indicates that this missense variant is expected to disrupt SLC12A6 protein function with a positive predictive value of 80%. In summary, the available evidence is currently insufficient to determine the role of this variant in disease. Therefore, it has been classified as a Variant of Uncertain Significance.

Ambry Genetics
Classification: Uncertain significance for Inborn genetic diseases. Last evaluated: 2023-12-27. Review status: criteria provided, single submitter. Criteria: Ambry Variant Classification Scheme 2023. Collection method: clinical testing. Allele origin: germline.

NM_001365088.1(SLC12A6):c.955C>T (p.Arg319Cys)

Gene: SLC12A6 (solute carrier family 12 member 6; minus strand). Cytogenetic location: 15q14.
Variant type: single nucleotide variant.
Coding change: c.955C>T on transcript NM_001365088.1 (MANE Select); coding-DNA position 955, C replaced by T.
Protein change: p.Arg319Cys; replaces arginine 319 with cysteine.
Molecular consequence: missense variant.
Genome position (GRCh38, 1-based): chr15:34,254,511, G>A on the plus strand (C>T on the coding strand, the complement: SLC12A6 is on the minus strand). VCF-style: chr15-34254511-G-A. GRCh37 (hg19) VCF-style: chr15-34546712-G-A.
Other names: c.778C>T, p.Arg260Cys (NM_001042494.2, NM_001042495.2); c.928C>T, p.Arg310Cys (NM_001042496.2); c.910C>T, p.Arg304Cys (NM_001042497.2); c.802C>T, p.Arg268Cys (NM_005135.2); c.955C>T, p.Arg319Cys (NM_133647.2); c.955C>T (NM_133647.1); short protein forms R260C, R268C, R319C, R304C, R310C.
Identifiers: ClinVar variation 1372627 (VCV001372627.7), dbSNP rs755778625, ClinGen allele CA7464434.